The following is an entry in ClinVar:

NM_014813.3(LRIG2):c.339G>A (p.Pro113=)

Gene: LRIG2 (leucine rich repeats and immunoglobulin like domains 2; plus strand). Cytogenetic location: 1p13.2.
Variant type: single nucleotide variant.
Coding change: c.339G>A on transcript NM_014813.3 (MANE Select); coding-DNA position 339, G replaced by A.
Protein change: p.Pro113=; no amino-acid change (proline 113 retained).
Molecular consequence: synonymous variant.
Genome position (GRCh38, 1-based): chr1:113,093,239, G>A. VCF-style: chr1-113093239-G-A. GRCh37 (hg19) VCF-style: chr1-113635861-G-A.
Other names: p.Pro113=; c.30G>A, p.Pro10= (NM_001312686.2).
Identifiers: ClinVar variation 4683370 (VCV004683370.1).
Genomic context (GRCh38, chr1:113,093,239, plus strand): 5'-TTTAAATCTGTTTTTCCTCTTGCCTAGGAAAATGAATTACAATGAACTAACAGAAATCCC[G>A]TATTTTGGAGAACCTACATCTAATATTACTCTACTTTCATTGTAAGTTAGTAAGTTTTCA-3'
Protein context (NP_055628.1, residues 103-123): KMNYNELTEI[Pro113=]YFGEPTSNIT

ClinVar aggregate classification (germline): Benign (1 of 4 stars; one submission).

gnomAD v4.1: 30,927 of 1,597,018 alleles (1.9%); highest among the groups gnomAD compares: Middle Eastern, 2.9%; 380 homozygotes.

Submission:

Mayo Clinic Laboratories, Mayo Clinic
Classification: Benign. Last evaluated: 2024-08-14. Review status: criteria provided, single submitter. Criteria: ACMG Guidelines, 2015. Collection method: clinical testing. Allele origin: germline. Observed: 5 variant alleles.
Comment: BS1, BS2, BP4, BP7